The following is an entry in ClinVar:

NM_024079.5(ALG8):c.544C>T (p.Gln182Ter)

Gene: ALG8 (ALG8 alpha-1,3-glucosyltransferase; minus strand). Cytogenetic location: 11q14.1.
Variant type: single nucleotide variant.
Coding change: c.544C>T on transcript NM_024079.5 (MANE Select); coding-DNA position 544, C replaced by T.
Protein change: p.Gln182Ter; replaces glutamine 182 with a stop codon.
Molecular consequence: nonsense.
Genome position (GRCh38, 1-based): chr11:78,119,184, G>A on the plus strand (C>T on the coding strand, the complement: ALG8 is on the minus strand). VCF-style: chr11-78119184-G-A. GRCh37 (hg19) VCF-style: chr11-77830230-G-A.
Other names: c.544C>T, p.Gln182Ter (NM_001007027.3, NM_001425221.1, NM_001425222.1 and 13 more transcripts); c.547C>T, p.Gln183Ter (NM_001425219.1); c.529C>T, p.Gln177Ter (NM_001425220.1); c.391C>T, p.Gln131Ter (NM_001425226.1, NM_001425235.1, NM_001425236.1); c.343C>T, p.Gln115Ter (NM_001425231.1); c.280C>T, p.Gln94Ter (NM_001425234.1, NM_001425239.1); c.28C>T, p.Gln10Ter (NM_001425241.1); c.-7C>T (NM_001425242.1); and 1 more; short protein forms Q10*, Q115*, Q131*, Q177*, Q182*, Q183*, Q94*.
Identifiers: ClinVar variation 2683953 (VCV002683953.3), dbSNP rs2497066474, ClinGen allele CA382118027.

ClinVar aggregate classification (germline): Likely pathogenic. Review status: criteria provided, multiple submitters, no conflicts (2 of 4 stars). 3 submissions from 3 submitters: Likely pathogenic (2). 1 of the submissions does not count toward it. Last evaluated 2024-02-22.

Conditions:
ALG8-related disorder.
Polycystic liver disease 3 with or without kidney cysts. Identifiers: MedGen C4693472, MONDO:0054743, OMIM 617874.
ALG8 congenital disorder of glycosylation. Also called: ALG8-CDG; CONGENITAL DISORDER OF GLYCOSYLATION, TYPE Ih; CDG Ih. Identifiers: Orphanet 79325, MedGen C2931002, MONDO:0011969, OMIM 608104.

Submissions (3):

Fulgent Genetics
Classification: Likely pathogenic for ALG8 congenital disorder of glycosylation; Polycystic liver disease 3 with or without kidney cysts. Last evaluated: 2024-02-22. Review status: criteria provided, single submitter. Criteria: ACMG Guidelines, 2015. Collection method: clinical testing. Allele origin: germline.

MVZ Martinsried, Medicover Genetics
Classification: Likely pathogenic for Polycystic liver disease 3 with or without kidney cysts. Last evaluated: 2023-08-14. Review status: criteria provided, single submitter. Criteria: ACGS Guidelines, 2020. Collection method: clinical testing. Allele origin: unknown. Affected: yes.

PreventionGenetics, part of Exact Sciences
Classification: Pathogenic for ALG8-related condition. Last evaluated: 2024-08-29. Review status: no assertion criteria provided. Collection method: clinical testing. Allele origin: germline. Not counted in ClinVar's aggregate classification.
Comment: The ALG8 c.544C>T variant is predicted to result in premature protein termination (p.Gln182*). To our knowledge, this variant has not been reported in the literature or in a large population database, indicating this variant is rare. Nonsense variants in ALG8 are expected to be pathogenic for autosomal recessive congenital disorder of glycosylation (see for example, Schollen et al. 2004. PubMed ID: 15235028; Vuillaumier-Barrot et al. 2019. PubMed ID: 30420707). In addition, in a study of assessing the relationship between truncating ALG8 variants and polycystic kidney disease (PKD), individuals who are heterozygous for ALG8 pathogenic or likely pathogenic variants were shown to have increased risk of a mild (atypical) cystic kidney disease phenotype on imaging (Apple et al. 2023. PubMed ID: 36574950). For autosomal dominant polycystic liver disease with or without kidney cysts, currently there is limited evidence to support the gene-disease relationship. Therefore, this variant is interpreted as pathogenic for autosomal recessive congenital disorder of glycosylation while the clinical significance of this variant is uncertain for autosomal dominant polycystic liver disease with or without kidney cysts.